The following is an entry in ClinVar:

ClinVar aggregate classification (germline): Uncertain significance (1 of 4 stars; one submission).

Conditions:
Hereditary cancer-predisposing syndrome. Also called: Tumor predisposition; Hereditary Cancer Syndrome; Neoplastic Syndromes, Hereditary; Hereditary neoplastic syndrome. Identifiers: Orphanet 140162, MedGen C0027672, MeSH D009386, MONDO:0015356.

Submission:

Ambry Genetics
Classification: Uncertain significance for Hereditary cancer-predisposing syndrome. Last evaluated: 2019-09-12. Review status: criteria provided, single submitter. Criteria: Ambry Variant Classification Scheme 2023. Collection method: clinical testing. Allele origin: germline.
Comment: The p.S1056L variant (also known as c.3167C>T), located in coding exon 19 of the BRIP1 gene, results from a C to T substitution at nucleotide position 3167. The serine at codon 1056 is replaced by leucine, an amino acid with dissimilar properties. This amino acid position is well conserved in available vertebrate species. In addition, this alteration is predicted to be tolerated by in silico analysis. Since supporting evidence is limited at this time, the clinical significance of this alteration remains unclear.

NM_032043.3(BRIP1):c.3167C>T (p.Ser1056Leu)

Gene: BRIP1 (BRCA1 interacting DNA helicase 1; minus strand). Cytogenetic location: 17q23.2.
Variant type: single nucleotide variant.
Coding change: c.3167C>T on transcript NM_032043.3 (MANE Select); coding-DNA position 3167, C replaced by T.
Protein change: p.Ser1056Leu; replaces serine 1056 with leucine.
Molecular consequence: missense variant.
Genome position (GRCh38, 1-based): chr17:61,683,879, G>A on the plus strand (C>T on the coding strand, the complement: BRIP1 is on the minus strand). VCF-style: chr17-61683879-G-A. GRCh37 (hg19) VCF-style: chr17-59761240-G-A.
Other names: short protein forms S1056L.
Identifiers: ClinVar variation 823033 (VCV000823033.4), dbSNP rs1603275438, ClinGen allele CA400479462.